The following is an entry in ClinVar:

NM_005027.4(PIK3R2):c.1895C>T (p.Ala632Val)

Gene: PIK3R2 (phosphoinositide-3-kinase regulatory subunit 2; plus strand). Cytogenetic location: 19p13.11.
Variant type: single nucleotide variant.
Coding change: c.1895C>T on transcript NM_005027.4 (MANE Select); coding-DNA position 1895, C replaced by T.
Protein change: p.Ala632Val; replaces alanine 632 with valine.
Molecular consequence: missense variant. On other transcripts: non-coding transcript variant (2).
Genome position (GRCh38, 1-based): chr19:18,168,812, C>T. VCF-style: chr19-18168812-C-T. GRCh37 (hg19) VCF-style: chr19-18279622-C-T.
Other names: short protein forms A632V.
Identifiers: ClinVar variation 4995389 (VCV004995389.1).
Genomic context (GRCh38, chr19:18,168,812, plus strand): 5'-ACGATCTCCCGCACCACGAGGAACGCACTTGGTACGTGGGCAAGATCAACCGCACGCAGG[C>T]AGAGGAGATGCTGAGTGGCAAGCGGGATGGCACCTTCCTCATCCGCGAGAGCAGCCAGCG-3'
Protein context (NP_005018.2, residues 622-642): WYVGKINRTQ[Ala632Val]EEMLSGKRDG

ClinVar aggregate classification (germline): Uncertain significance (1 of 4 stars; one submission).

Conditions:
PIK3R2-related disorder. Also called: PIK3R2-related condition.

Submission:

PreventionGenetics, part of Exact Sciences
Classification: Uncertain significance for PIK3R2-related condition. Last evaluated: 2025-09-20. Review status: criteria provided, single submitter. Criteria: ACMG Guidelines, 2015. Collection method: clinical testing. Allele origin: germline.
Comment: The PIK3R2 c.1895C>T variant is predicted to result in the amino acid substitution p.Ala632Val. To our knowledge, this variant has not been reported in the literature or in a large population database (gnomAD), indicating this variant is rare. At this time, the clinical significance of this variant is uncertain due to the absence of conclusive functional and genetic evidence.